The following is an entry in ClinVar:

ClinVar aggregate classification (germline): Uncertain significance. Review status: criteria provided, multiple submitters, no conflicts (2 of 4 stars). 2 submissions from 2 submitters: Uncertain significance (2). Last evaluated 2024-11-08.

Conditions:
Mucopolysaccharidosis, MPS-III-A (MPS3A). Also called: HEPARAN SULFATE SULFATASE DEFICIENCY; SANFILIPPO SYNDROME A; SULFAMIDASE DEFICIENCY; MPS III A; MUCOPOLYSACCHARIDOSIS, TYPE IIIA, ATTENUATED; Mucopolysaccharidosis type IIIA (Sanfilippo A). Identifiers: Orphanet 581, Orphanet 79269, MedGen C0086647, MONDO:0009655, OMIM 252900.

Allele frequency attached by ClinVar (database versions not stated): gnomAD exomes 0.00002; gnomAD 0.00001; ExAC 0.00003; TOPMed 0.00002.

Submissions (2):

Blueprint Genetics
Classification: Uncertain significance. Last evaluated: 2024-11-08. Review status: criteria provided, single submitter. Criteria: ACMG Guidelines, 2015. Collection method: clinical testing. Allele origin: germline.

Labcorp Genetics (formerly Invitae), Labcorp
Classification: Uncertain significance for Mucopolysaccharidosis, MPS-III-A. Last evaluated: 2024-10-25. Review status: criteria provided, single submitter. Criteria: Invitae Variant Classification Sherloc (09022015). Collection method: clinical testing. Allele origin: germline.
Comment: This sequence change replaces arginine, which is basic and polar, with cysteine, which is neutral and slightly polar, at codon 304 of the SGSH protein (p.Arg304Cys). This variant is present in population databases (no rsID available, gnomAD 0.02%). This missense change has been observed in individual(s) with clinical features of SGSH-related conditions (internal data). ClinVar contains an entry for this variant (Variation ID: 2197073). Invitae Evidence Modeling of protein sequence and biophysical properties (such as structural, functional, and spatial information, amino acid conservation, physicochemical variation, residue mobility, and thermodynamic stability) indicates that this missense variant is expected to disrupt SGSH protein function with a positive predictive value of 95%. This variant disrupts the p.Arg304 amino acid residue in SGSH. Other variant(s) that disrupt this residue have been observed in individuals with SGSH-related conditions (PMID: 17128482, 22976768), which suggests that this may be a clinically significant amino acid residue. In summary, the available evidence is currently insufficient to determine the role of this variant in disease. Therefore, it has been classified as a Variant of Uncertain Significance.

Literature cited by the submitters: PubMed 17128482 (cited by Labcorp Genetics (formerly Invitae), Labcorp); PubMed 22976768 (cited by Labcorp Genetics (formerly Invitae), Labcorp).

NM_000199.5(SGSH):c.910C>T (p.Arg304Cys)

Gene: SGSH (N-sulfoglucosamine sulfohydrolase; minus strand). Cytogenetic location: 17q25.3.
Variant type: single nucleotide variant.
Coding change: c.910C>T on transcript NM_000199.5 (MANE Select); coding-DNA position 910, C replaced by T.
Protein change: p.Arg304Cys; replaces arginine 304 with cysteine.
Molecular consequence: missense variant. On other transcripts: non-coding transcript variant (1).
Genome position (GRCh38, 1-based): chr17:80,212,110, G>A on the plus strand (C>T on the coding strand, the complement: SGSH is on the minus strand). VCF-style: chr17-80212110-G-A. GRCh37 (hg19) VCF-style: chr17-78185909-G-A.
Other names: c.910C>T, p.Arg304Cys (NM_001352921.3, NM_001352922.2); short protein forms R304C.
Identifiers: ClinVar variation 2197073 (VCV002197073.3), dbSNP rs937752107, ClinGen allele CA8817754.